The following is an entry in ClinVar:

NM_001127222.2(CACNA1A):c.1004G>A (p.Trp335Ter)

Genes: CACNA1A (calcium voltage-gated channel subunit alpha1 A; minus strand), LOC126862866 (MED14-independent group 3 enhancer GRCh37_chr19:13445719-13446918; plus strand). Cytogenetic location: 19p13.13.
Variant type: single nucleotide variant.
Coding change: c.1004G>A on transcript NM_001127222.2 (MANE Select); coding-DNA position 1004, G replaced by A.
Protein change: p.Trp335Ter; replaces tryptophan 335 with a stop codon.
Molecular consequence: nonsense.
Genome position (GRCh38, 1-based): chr19:13,335,884, C>T on the plus strand (G>A on the coding strand, the complement: CACNA1A is on the minus strand). VCF-style: chr19-13335884-C-T. GRCh37 (hg19) VCF-style: chr19-13446698-C-T.
Other names: c.1004G>A, p.Trp335Ter (NM_000068.4, NM_001127221.2, NM_001174080.2 and 1 more transcripts); short protein forms W335*.
Identifiers: ClinVar variation 1722953 (VCV001722953.2), dbSNP rs2513056055, ClinGen allele CA404346834.

ClinVar aggregate classification (germline): Pathogenic (1 of 4 stars; one submission).

Submission:

GeneDx
Classification: Pathogenic. Last evaluated: 2022-11-04. Review status: criteria provided, single submitter. Criteria: GeneDx Variant Classification Process June 2021. Collection method: clinical testing. Allele origin: germline. Affected: yes.
Comment: Nonsense variant predicted to result in protein truncation or nonsense mediated decay in a gene for which loss-of-function is a known mechanism of disease; Not observed in large population cohorts (gnomAD); Has not been previously published as pathogenic or benign to our knowledge